The following is an entry in ClinVar:

ClinVar aggregate classification (germline): Uncertain significance (1 of 4 stars; one submission).

Allele frequency attached by ClinVar (database versions not stated): ESP Exome Variant Server 0.00015.
gnomAD v4.1: 251 of 1,613,414 alleles (0.016%); highest among the groups gnomAD compares: Non-Finnish European, 0.021%; no homozygotes.

Submission:

Labcorp Genetics (formerly Invitae), Labcorp
Classification: Uncertain significance. Last evaluated: 2023-01-26. Review status: criteria provided, single submitter. Criteria: Invitae Variant Classification Sherloc (09022015). Collection method: clinical testing. Allele origin: germline.
Comment: This sequence change replaces leucine, which is neutral and non-polar, with phenylalanine, which is neutral and non-polar, at codon 732 of the JAK2 protein (p.Leu732Phe). This variant is present in population databases (rs145273013, gnomAD 0.003%). This variant has not been reported in the literature in individuals affected with JAK2-related conditions. Advanced modeling of protein sequence and biophysical properties (such as structural, functional, and spatial information, amino acid conservation, physicochemical variation, residue mobility, and thermodynamic stability) performed at Invitae indicates that this missense variant is not expected to disrupt JAK2 protein function. Algorithms developed to predict the effect of sequence changes on RNA splicing suggest that this variant may create or strengthen a splice site. In summary, the available evidence is currently insufficient to determine the role of this variant in disease. Therefore, it has been classified as a Variant of Uncertain Significance.

NM_004972.4(JAK2):c.2196G>C (p.Leu732Phe)

Genes: INSL6 (insulin like 6; minus strand), JAK2 (Janus kinase 2; plus strand). Cytogenetic location: 9p24.1.
Variant type: single nucleotide variant.
Coding change: c.2196G>C on transcript NM_004972.4 (MANE Select); coding-DNA position 2196, G replaced by C.
Protein change: p.Leu732Phe; replaces leucine 732 with phenylalanine.
Molecular consequence: missense variant. On other transcripts: non-coding transcript variant (2).
Genome position (GRCh38, 1-based): chr9:5,080,293, G>C. VCF-style: chr9-5080293-G-C. GRCh37 (hg19) VCF-style: chr9-5080293-G-C.
Other names: c.2196G>C, p.Leu732Phe (NM_001322194.2, NM_001322195.2, NM_001322196.2); c.981G>C, p.Leu327Phe (NM_001322198.2, NM_001322199.2); c.1749G>C, p.Leu583Phe (NM_001322204.2); short protein forms L327F, L583F, L732F.
Identifiers: ClinVar variation 2894352 (VCV002894352.3), dbSNP rs145273013, ClinGen allele CA4972078.
Genomic context (GRCh38, chr9:5,080,293, plus strand): 5'-TCAGGAGAGAATACCATGGGTACCACCTGAATGCATTGAAAATCCTAAAAATTTAAATTT[G>C]GCAACAGACAAATGGAGTTTTGGTACCACTTTGTGGGAAATCTGCAGTGGAGGAGATAAA-3'
Protein context (NP_004963.1, residues 722-742): ECIENPKNLN[Leu732Phe]ATDKWSFGTT